The following is an entry in ClinVar:

NM_018897.3(DNAH7):c.1520G>A (p.Arg507Gln)

Gene: DNAH7 (dynein axonemal heavy chain 7; minus strand). Cytogenetic location: 2q32.3.
Variant type: single nucleotide variant.
Coding change: c.1520G>A on transcript NM_018897.3 (MANE Select); coding-DNA position 1520, G replaced by A.
Protein change: p.Arg507Gln; replaces arginine 507 with glutamine.
Molecular consequence: missense variant.
Genome position (GRCh38, 1-based): chr2:195,988,063, C>T on the plus strand (G>A on the coding strand, the complement: DNAH7 is on the minus strand). VCF-style: chr2-195988063-C-T. GRCh37 (hg19) VCF-style: chr2-196852787-C-T.
Other names: short protein forms R507Q.
Identifiers: ClinVar variation 716763 (VCV000716763.6), dbSNP rs116306469, ClinGen allele CA2036626.

ClinVar aggregate classification (germline): Benign. Review status: criteria provided, multiple submitters, no conflicts (2 of 4 stars). 3 submissions from 3 submitters: Benign (2). 1 of the submissions does not count toward it. Last evaluated 2018-06-10.

Conditions:
DNAH7-related disorder. Also called: DNAH7-related condition.

Allele frequency attached by ClinVar (database versions not stated): gnomAD exomes 0.00033 and 0.00074; ExAC 0.00091; ESP Exome Variant Server 0.00254; 1000 Genomes Project 0.00260; TOPMed 0.00294; gnomAD 0.00300 and 0.00327; 1000 Genomes Project 30x 0.00359.
gnomAD v4.1: 957 of 1,613,594 alleles (0.059%); highest among the groups gnomAD compares: African/African-American, 1%; 3 homozygotes.

Submissions (3):

Labcorp Genetics (formerly Invitae), Labcorp
Classification: Benign. Last evaluated: 2018-06-10. Review status: criteria provided, single submitter. Criteria: Invitae Variant Classification Sherloc (09022015). Collection method: clinical testing. Allele origin: germline.

Breakthrough Genomics
Classification: Benign. Review status: criteria provided, single submitter. Criteria: ACMG Guidelines, 2015. Collection method: not provided. Allele origin: germline. Inheritance: Unknown mechanism. Affected: yes.

PreventionGenetics, part of Exact Sciences
Classification: Benign for DNAH7-related condition. Last evaluated: 2021-12-28. Review status: no assertion criteria provided. Collection method: clinical testing. Allele origin: germline. Not counted in ClinVar's aggregate classification.
Comment: This variant is classified as benign based on ACMG/AMP sequence variant interpretation guidelines (Richards et al. 2015 PMID: 25741868, with internal and published modifications).